The following is an entry in ClinVar:

NM_000274.4(OAT):c.952G>A (p.Glu318Lys)

Gene: OAT (ornithine aminotransferase; minus strand). Cytogenetic location: 10q26.13.
Variant type: single nucleotide variant.
Coding change: c.952G>A on transcript NM_000274.4 (MANE Select); coding-DNA position 952, G replaced by A.
Protein change: p.Glu318Lys; replaces glutamic acid 318 with lysine.
Molecular consequence: missense variant.
Genome position (GRCh38, 1-based): chr10:124,401,788, C>T on the plus strand (G>A on the coding strand, the complement: OAT is on the minus strand). VCF-style: chr10-124401788-C-T. GRCh37 (hg19) VCF-style: chr10-126090357-C-T.
Other names: c.538G>A, p.Glu180Lys (NM_001171814.2); c.952G>A, p.Glu318Lys (NM_001322965.2, NM_001322966.2, NM_001322967.2 and 3 more transcripts); c.631G>A, p.Glu211Lys (NM_001322971.2); c.352G>A, p.Glu118Lys (NM_001322974.2); short protein forms E180K, E318K, E118K, E211K.
Identifiers: ClinVar variation 56138 (VCV000056138.19), dbSNP rs386833621, ClinGen allele CA144183.

ClinVar aggregate classification (germline): Pathogenic/Likely pathogenic. Review status: criteria provided, multiple submitters, no conflicts (2 of 4 stars). 6 submissions from 6 submitters: Pathogenic (3); Likely pathogenic (2). 1 of the submissions does not count toward it. Last evaluated 2026-01-12.

Conditions:
OAT-related disorder. Also called: OAT-related condition.
Ornithine aminotransferase deficiency (GACR). Also called: OKT DEFICIENCY; Ornithine ketoacid aminotransferase deficiency; Gyrate atrophy; Gyrate atrophy of choroid and retina; Girate atrophy of the retina; HYPERORNITHINEMIA WITH GYRATE ATROPHY OF CHOROID AND RETINA. Identifiers: Orphanet 414, MedGen C0018425, MONDO:0009796, OMIM 258870.

Allele frequency attached by ClinVar (database versions not stated): TOPMed below 0.00001; ExAC 0.00001; gnomAD 0.00001; gnomAD exomes 0.00001 and 0.00002.
gnomAD v4.1: 30 of 1,613,142 alleles (0.0019%); highest among the groups gnomAD compares: Non-Finnish European, 0.0025%; no homozygotes.

Submissions (6):

Labcorp Genetics (formerly Invitae), Labcorp
Classification: Pathogenic for Ornithine aminotransferase deficiency. Last evaluated: 2026-01-12. Review status: criteria provided, single submitter. Criteria: Invitae Variant Classification Sherloc (09022015). Collection method: clinical testing. Allele origin: germline.
Comment: This sequence change replaces glutamic acid, which is acidic and polar, with lysine, which is basic and polar, at codon 318 of the OAT protein (p.Glu318Lys). This variant is present in population databases (rs386833621, gnomAD 0.003%). This missense change has been observed in individual(s) with gyrate atrophy (PMID: 10617919, 22182799, 23076989). ClinVar contains an entry for this variant (Variation ID: 56138). Invitae Evidence Modeling of protein sequence and biophysical properties (such as structural, functional, and spatial information, amino acid conservation, physicochemical variation, residue mobility, and thermodynamic stability) indicates that this missense variant is not expected to disrupt OAT protein function with a negative predictive value of 80%. Experimental studies have shown that this missense change affects OAT function (PMID: 23076989). For these reasons, this variant has been classified as Pathogenic.

Natera, Inc.
Classification: Likely pathogenic for Gyrate atrophy. Last evaluated: 2025-12-23. Review status: criteria provided, single submitter. Criteria: Natera Variant Classification Schema (03/2026). Collection method: clinical testing. Allele origin: germline.
Comment: The c.952G>A variant in OAT is a missense variant predicted to cause substitution of glutamic acid to lysine at amino acid 318. This variant is rare in the general population with a frequency below the threshold expected for the associated phenotype(s). This variant has been observed in one or more individuals affected with the associated recessive disease, as either homozygous or compound heterozygous with a second variant (PMID: 10617919, 23076989, 39447872). Additionally, this variant has been observed to segregate in affected family members (PMID: 10617919). Computational prediction algorithms indicate this variant is likely to affect gene or protein function. Given the available evidence, this variant is classified as Likely Pathogenic.

Fulgent Genetics
Classification: Likely pathogenic for Ornithine aminotransferase deficiency. Last evaluated: 2024-06-16. Review status: criteria provided, single submitter. Criteria: ACMG Guidelines, 2015. Collection method: clinical testing. Allele origin: germline.

Baylor Genetics
Classification: Pathogenic for Ornithine aminotransferase deficiency. Last evaluated: 2024-02-26. Review status: criteria provided, single submitter. Criteria: ACMG Guidelines, 2015. Collection method: clinical testing. Allele origin: unknown.

Blueprint Genetics
Classification: Pathogenic for OAT-related disorders. Last evaluated: 2022-02-19. Review status: criteria provided, single submitter. Criteria: ACMG Guidelines, 2015. Collection method: clinical testing. Allele origin: germline. Affected: yes. Observed: 2 variant alleles.

Juha Muilu Group; Institute for Molecular Medicine Finland (FIMM)
Classification: Likely pathogenic for Ornithine aminotransferase deficiency. Review status: no assertion criteria provided. Collection method: not provided. Allele origin: unknown. Not counted in ClinVar's aggregate classification.
Comment: FinDis database variant: This variant was not found or characterized by our laboratory, data were collected from public sources: see reference
ClinVar note: Converted during submission from probable-pathogenic to Likely pathogenic.

Literature cited by the submitters: PubMed 10617919 (cited by Labcorp Genetics (formerly Invitae), Labcorp and Natera, Inc.); PubMed 22182799 (cited by Labcorp Genetics (formerly Invitae), Labcorp); PubMed 23076989 (cited by Labcorp Genetics (formerly Invitae), Labcorp and Natera, Inc.); PubMed 39447872 (cited by Natera, Inc.).